The following is an entry in ClinVar:

ClinVar aggregate classification (germline): Uncertain significance (1 of 4 stars; one submission).

Conditions:
HYPERHOMOCYSTEINEMIA, THROMBOTIC, CBS-RELATED. Identifiers: MedGen C3150344, OMIM 236200.

Submission:

Labcorp Genetics (formerly Invitae), Labcorp
Classification: Uncertain significance for HYPERHOMOCYSTEINEMIA, THROMBOTIC, CBS-RELATED. Last evaluated: 2022-08-06. Review status: criteria provided, single submitter. Criteria: Invitae Variant Classification Sherloc (09022015). Collection method: clinical testing. Allele origin: germline.
Comment: This sequence change replaces lysine, which is basic and polar, with threonine, which is neutral and polar, at codon 177 of the CBS protein (p.Lys177Thr). This variant is not present in population databases (gnomAD no frequency). This variant has not been reported in the literature in individuals affected with CBS-related conditions. Algorithms developed to predict the effect of missense changes on protein structure and function are either unavailable or do not agree on the potential impact of this missense change (SIFT: "Deleterious"; PolyPhen-2: "Probably Damaging"; Align-GVGD: "Class C0"). In summary, the available evidence is currently insufficient to determine the role of this variant in disease. Therefore, it has been classified as a Variant of Uncertain Significance.

NM_000071.3(CBS):c.530A>C (p.Lys177Thr)

Gene: CBS (cystathionine beta-synthase; minus strand). Cytogenetic location: 21q22.3.
Variant type: single nucleotide variant.
Coding change: c.530A>C on transcript NM_000071.3 (MANE Select); coding-DNA position 530, A replaced by C.
Protein change: p.Lys177Thr; replaces lysine 177 with threonine.
Molecular consequence: missense variant.
Genome position (GRCh38, 1-based): chr21:43,065,617, T>G on the plus strand (A>C on the coding strand, the complement: CBS is on the minus strand). VCF-style: chr21-43065617-T-G. GRCh37 (hg19) VCF-style: chr21-44485727-T-G.
Other names: c.530A>C, p.Lys177Thr (NM_001178008.3, NM_001178009.3, NM_001320298.2); c.215A>C, p.Lys72Thr (NM_001321072.1); short protein forms K177T, K72T.
Identifiers: ClinVar variation 1715020 (VCV001715020.3), dbSNP rs1472673650, ClinGen allele CA410601263.